The following is an entry in ClinVar:

NM_198173.3(GRHL3):c.1740C>G (p.Asn580Lys)

Gene: GRHL3 (grainyhead like transcription factor 3; plus strand). Cytogenetic location: 1p36.11.
Variant type: single nucleotide variant.
Coding change: c.1740C>G on transcript NM_198173.3 (MANE Select); coding-DNA position 1740, C replaced by G.
Protein change: p.Asn580Lys; replaces asparagine 580 with lysine.
Molecular consequence: missense variant. On other transcripts: intron variant (1).
Genome position (GRCh38, 1-based): chr1:24,354,419, C>G. VCF-style: chr1-24354419-C-G. GRCh37 (hg19) VCF-style: chr1-24680909-C-G.
Other names: c.1602C>G, p.Asn534Lys (NM_001195010.2); c.1755C>G, p.Asn585Lys (NM_021180.4); c.1694+4297C>G (NM_198174.3); short protein forms N534K, N580K, N585K.
Identifiers: ClinVar variation 4874866 (VCV004874866.2).
Genomic context (GRCh38, chr1:24,354,419, plus strand): 5'-CCTCTTCCATTCCAGAATCTTAGTCAACATGGACAACAACATCATTCAGCATTACAGCAA[C>G]CACGTCGCCTTCCTGCTGGACATGGGGGAGCTGGACGGCAAAATTCAGATCATCCTTAAG-3'
Protein context (NP_937816.1, residues 570-590): MDNNIIQHYS[Asn580Lys]HVAFLLDMGE

ClinVar aggregate classification (germline): Uncertain significance (1 of 4 stars; one submission).

Submission:

CeGaT Center for Human Genetics Tuebingen
Classification: Uncertain significance. Last evaluated: 2026-04-01. Review status: criteria provided, single submitter. Criteria: CeGaT Center For Human Genetics Tuebingen Variant Classification Criteria Version 2. Collection method: clinical testing. Allele origin: germline. Affected: yes. Observed: 1 variant allele.
Comment: GRHL3: PM2, BP4